The following is an entry in ClinVar:

ClinVar aggregate classification (germline): Uncertain significance (1 of 4 stars; one submission).

Conditions:
Tumor predisposition syndrome 3 (TPDS3). Also called: Glioma susceptibility 9; LONG TELOMERE SYNDROME, POT1-RELATED; POT1 Tumor Predisposition; Melanoma, cutaneous malignant, susceptibility to, 10. Identifiers: Orphanet 618, MedGen C4014476, MONDO:0014368, OMIM 615848.

Submission:

Labcorp Genetics (formerly Invitae), Labcorp
Classification: Uncertain significance for Tumor predisposition syndrome 3. Last evaluated: 2024-07-23. Review status: criteria provided, single submitter. Criteria: Invitae Variant Classification Sherloc (09022015). Collection method: clinical testing. Allele origin: germline.
Comment: This sequence change replaces valine, which is neutral and non-polar, with leucine, which is neutral and non-polar, at codon 285 of the POT1 protein (p.Val285Leu). This variant is not present in population databases (gnomAD no frequency). This variant has not been reported in the literature in individuals affected with POT1-related conditions. Advanced modeling of protein sequence and biophysical properties (such as structural, functional, and spatial information, amino acid conservation, physicochemical variation, residue mobility, and thermodynamic stability) performed at Invitae indicates that this missense variant is not expected to disrupt POT1 protein function with a negative predictive value of 80%. In summary, the available evidence is currently insufficient to determine the role of this variant in disease. Therefore, it has been classified as a Variant of Uncertain Significance.

NM_015450.3(POT1):c.853G>C (p.Val285Leu)

Gene: POT1 (protection of telomeres 1; minus strand). Cytogenetic location: 7q31.33.
Variant type: single nucleotide variant.
Coding change: c.853G>C on transcript NM_015450.3 (MANE Select); coding-DNA position 853, G replaced by C.
Protein change: p.Val285Leu; replaces valine 285 with leucine.
Molecular consequence: missense variant. On other transcripts: non-coding transcript variant (3).
Genome position (GRCh38, 1-based): chr7:124,852,988, C>G on the plus strand (G>C on the coding strand, the complement: POT1 is on the minus strand). VCF-style: chr7-124852988-C-G. GRCh37 (hg19) VCF-style: chr7-124493042-C-G.
Other names: c.460G>C, p.Val154Leu (NM_001042594.2); short protein forms V285L, V154L.
Identifiers: ClinVar variation 3712138 (VCV003712138.2).